The following is an entry in ClinVar:

ClinVar aggregate classification (germline): Uncertain significance (1 of 4 stars; one submission).

Submission:

Athena Diagnostics
Classification: Uncertain significance. Last evaluated: 2025-04-11. Review status: criteria provided, single submitter. Criteria: Athena Diagnostics Criteria. Collection method: clinical testing. Allele origin: unknown.
Comment: Available data are insufficient to determine the clinical significance of the variant at this time. This variant has not been reported in large, multi-ethnic general populations. Polyphen and MutationTaster predict this amino acid change may be benign.

NM_004172.5(SLC1A3):c.466C>A (p.His156Asn)

Genes: SLC1A3 (solute carrier family 1 member 3; plus strand), SLC1A3-AS1 (SLC1A3 antisense RNA 1; minus strand). Cytogenetic location: 5p13.2.
Variant type: single nucleotide variant.
Coding change: c.466C>A on transcript NM_004172.5 (MANE Select); coding-DNA position 466, C replaced by A.
Protein change: p.His156Asn; replaces histidine 156 with asparagine.
Molecular consequence: missense variant.
Genome position (GRCh38, 1-based): chr5:36,671,175, C>A. VCF-style: chr5-36671175-C-A. GRCh37 (hg19) VCF-style: chr5-36671277-C-A.
Other names: c.466C>A, p.His156Asn (NM_001166695.3, NM_001289940.2); c.328C>A, p.His110Asn (NM_001289939.2); short protein forms H110N, H156N.
Identifiers: ClinVar variation 3571770 (VCV003571770.2).
Genomic context (GRCh38, chr5:36,671,175, plus strand): 5'-GTGATTGGCATAATCATTGTCATCATCATCCATCCTGGGAAGGGCACAAAGGAAAACATG[C>A]ACAGAGAAGGCAAAATTGTACGAGTGACAGCTGCAGATGCCTTCCTGGACTTGATCAGGT-3'
Protein context (NP_004163.3, residues 146-166): HPGKGTKENM[His156Asn]REGKIVRVTA